The following is an entry in ClinVar:

NM_032043.3(BRIP1):c.1095_1096del (p.Phe366fs)

Gene: BRIP1 (BRCA1 interacting DNA helicase 1; minus strand). Cytogenetic location: 17q23.2.
Variant type: Microsatellite.
Coding change: c.1095_1096del on transcript NM_032043.3 (MANE Select); coding-DNA positions 1095 to 1096, 2 bases deleted (AT; older notation c.1095_1096delAT).
Protein change: p.Phe366fs; shifts the reading frame from phenylalanine 366.
Molecular consequence: frameshift variant.
Genome position (GRCh38, 1-based): chr17:61,801,297-61,801,298, AT deleted on the plus strand (AT on the coding strand, the reverse complement: BRIP1 is on the minus strand); deleting any 2 consecutive bases within chr17:61,801,297-61,801,300 gives the same sequence; the c. name uses the placement nearest the transcript's 3' end. VCF-style (leftmost placement, unchanged base first): chr17-61801296-AAT-A. GRCh37 (hg19) VCF-style: chr17-59878657-AAT-A.
Other names: c.1093_1094AT[1], p.Phe366Leufs (NM_032043.2); c.1095_1096delAT (NM_032043.2); short protein forms F366fs.
Identifiers: ClinVar variation 4631063 (VCV004631063.1).

ClinVar aggregate classification (germline): Pathogenic (1 of 4 stars; one submission).

Conditions:
Hereditary cancer-predisposing syndrome. Also called: Neoplastic Syndromes, Hereditary; Tumor predisposition; Hereditary Cancer Syndrome; Hereditary neoplastic syndrome. Identifiers: Orphanet 140162, MedGen C0027672, MeSH D009386, MONDO:0015356.

Submission:

Ambry Genetics
Classification: Pathogenic for Hereditary cancer-predisposing syndrome. Last evaluated: 2025-11-19. Review status: criteria provided, single submitter. Criteria: Ambry Variant Classification Scheme 2023. Collection method: clinical testing. Allele origin: germline.
Comment: The c.1095_1096delAT pathogenic mutation, located in coding exon 7 of the BRIP1 gene, results from a deletion of two nucleotides at nucleotide positions 1095 to 1096, causing a translational frameshift with a predicted alternate stop codon (p.F366Lfs*28). This variant is considered to be rare based on population cohorts in the Genome Aggregation Database (gnomAD). This alteration is expected to result in loss of function by premature protein truncation or nonsense-mediated mRNA decay. As such, this alteration is interpreted as a disease-causing mutation.